The following is an entry in ClinVar:

ClinVar aggregate classification (germline): Uncertain significance (1 of 4 stars; one submission).

Submission:

Labcorp Genetics (formerly Invitae), Labcorp
Classification: Uncertain significance. Last evaluated: 2024-05-06. Review status: criteria provided, single submitter. Criteria: Invitae Variant Classification Sherloc (09022015). Collection method: clinical testing. Allele origin: germline.
Comment: This sequence change replaces asparagine, which is neutral and polar, with histidine, which is basic and polar, at codon 911 of the EMC1 protein (p.Asn911His). This variant is not present in population databases (gnomAD no frequency). This variant has not been reported in the literature in individuals affected with EMC1-related conditions. ClinVar contains an entry for this variant (Variation ID: 2058175). Advanced modeling of protein sequence and biophysical properties (such as structural, functional, and spatial information, amino acid conservation, physicochemical variation, residue mobility, and thermodynamic stability) performed at Invitae indicates that this missense variant is expected to disrupt EMC1 protein function with a positive predictive value of 80%. In summary, the available evidence is currently insufficient to determine the role of this variant in disease. Therefore, it has been classified as a Variant of Uncertain Significance.

NM_015047.3(EMC1):c.2731A>C (p.Asn911His)

Genes: EMC1 (ER membrane protein complex subunit 1; minus strand), EMC1-AS1 (EMC1 antisense RNA 1; plus strand). Cytogenetic location: 1p36.13.
Variant type: single nucleotide variant.
Coding change: c.2731A>C on transcript NM_015047.3 (MANE Select); coding-DNA position 2731, A replaced by C.
Protein change: p.Asn911His; replaces asparagine 911 with histidine.
Molecular consequence: missense variant.
Genome position (GRCh38, 1-based): chr1:19,219,640, T>G on the plus strand (A>C on the coding strand, the complement: EMC1 is on the minus strand). VCF-style: chr1-19219640-T-G. GRCh37 (hg19) VCF-style: chr1-19546134-T-G.
Other names: c.2728A>C, p.Asn910His (NM_001271427.2, NM_001271428.2); c.2665A>C, p.Asn889His (NM_001271429.2); c.2740A>C, p.Asn914His (NM_001375820.1); c.2737A>C, p.Asn913His (NM_001375821.1); short protein forms N910H, N911H, N914H, N913H, N889H.
Identifiers: ClinVar variation 2058175 (VCV002058175.4), dbSNP rs2151933760, ClinGen allele CA338750080.